The following is an entry in ClinVar:

NM_004946.3(DOCK2):c.3381+2T>C

Gene: DOCK2 (dedicator of cytokinesis 2; plus strand). Cytogenetic location: 5q35.1.
Variant type: single nucleotide variant.
Coding change: c.3381+2T>C on transcript NM_004946.3 (MANE Select); the canonical splice donor site of the intron after coding-DNA position 3381, T replaced by C.
Molecular consequence: splice donor variant.
Genome position (GRCh38, 1-based): chr5:170,019,110, T>C. VCF-style: chr5-170019110-T-C. GRCh37 (hg19) VCF-style: chr5-169446114-T-C.
Identifiers: ClinVar variation 643518 (VCV000643518.7), dbSNP rs1581531492, ClinGen allele CA362105450.

ClinVar aggregate classification (germline): Likely pathogenic (1 of 4 stars; one submission).

Conditions:
DOCK2 deficiency. Also called: Immunodeficiency 40. Identifiers: Orphanet 447737, MedGen C4225328, MONDO:0014637, OMIM 616433.

Allele frequency attached by ClinVar (database versions not stated): gnomAD exomes below 0.00001.
gnomAD v4.1: 1 of 1,613,818 alleles (0.000062%); highest among the groups gnomAD compares: Non-Finnish European, 0.000085%; no homozygotes.

Submission:

Labcorp Genetics (formerly Invitae), Labcorp
Classification: Likely pathogenic for DOCK2 deficiency. Last evaluated: 2020-05-27. Review status: criteria provided, single submitter. Criteria: Invitae Variant Classification Sherloc (09022015). Collection method: clinical testing. Allele origin: germline.
Comment: This variant is not present in population databases (ExAC no frequency). In summary, the currently available evidence indicates that the variant is pathogenic, but additional data are needed to prove that conclusively. Therefore, this variant has been classified as Likely Pathogenic. Donor and acceptor splice site variants typically lead to a loss of protein function (PMID: 16199547), and loss-of-function variants in DOCK2 are known to be pathogenic (PMID: 26083206). Algorithms developed to predict the effect of sequence changes on RNA splicing suggest that this variant may disrupt the consensus splice site, but this prediction has not been confirmed by published transcriptional studies. This variant has not been reported in the literature in individuals with DOCK2-related disease. This sequence change affects a donor splice site in intron 33 of the DOCK2 gene. It is expected to disrupt RNA splicing and likely results in an absent or disrupted protein product.

Literature cited by the submitters: PubMed 16199547; PubMed 26083206.